The following is an entry in ClinVar:

NM_177965.4(CFAP418):c.*2525T>C

Gene: CFAP418 (cilia and flagella associated protein 418; minus strand). Cytogenetic location: 8q22.1.
Variant type: single nucleotide variant.
Coding change: c.*2525T>C on transcript NM_177965.4 (MANE Select); 2525 bases downstream of the stop codon, T replaced by C.
Molecular consequence: 3 prime UTR variant.
Genome position (GRCh38, 1-based): chr8:95,245,092, A>G on the plus strand (T>C on the coding strand, the complement: CFAP418 is on the minus strand). VCF-style: chr8-95245092-A-G. GRCh37 (hg19) VCF-style: chr8-96257320-A-G.
Other names: c.*2525T>C (NM_001363260.1).
Identifiers: ClinVar variation 363981 (VCV000363981.6), dbSNP rs74318654, ClinGen allele CA10628413.

ClinVar aggregate classification (germline): Benign. Review status: criteria provided, multiple submitters, no conflicts (2 of 4 stars). 3 submissions from 2 submitters: Benign (3). Last evaluated 2018-01-13.

Conditions:
Cone-rod dystrophy 16 (CORD16). Identifiers: MedGen C3281045, MONDO:0013786, OMIM 614500.
Retinitis pigmentosa (RP). Identifiers: Orphanet 791, MedGen C0035334, MeSH D012174, MONDO:0019200, OMIM 268000. Inheritance: Autosomal dominant, autosomal recessive and X linked inheritance.

Allele frequency attached by ClinVar (database versions not stated): gnomAD 0.04409 and 0.04790; 1000 Genomes Project 30x 0.07136; TOPMed 0.04394; 1000 Genomes Project 0.07847.

Submissions (3):

Illumina Laboratory Services, Illumina
Classification: Benign for Cone-rod dystrophy 16. Last evaluated: 2018-01-13. Review status: criteria provided, single submitter. Criteria: ICSL Variant Classification Criteria 13 December 2019. Collection method: clinical testing. Allele origin: germline.
Comment: This variant was observed in the ICSL laboratory as part of a predisposition screen in an ostensibly healthy population. It had not been previously curated by ICSL or reported in the Human Gene Mutation Database (HGMD: prior to June 1st, 2018), and was therefore a candidate for classification through an automated scoring system. Utilizing variant allele frequency, disease prevalence and penetrance estimates, and inheritance mode, an automated score was calculated to assess if this variant is too frequent to cause the disease. Based on the score and internal cut-off values, a variant classified as benign is not then subjected to further curation. The score for this variant resulted in a classification of benign for this disease.

Illumina Laboratory Services, Illumina
Classification: Benign for Retinitis pigmentosa. Last evaluated: 2018-01-13. Review status: criteria provided, single submitter. Criteria: ICSL Variant Classification Criteria 13 December 2019. Collection method: clinical testing. Allele origin: germline.
Comment: the same text as in the submission from Illumina Laboratory Services, Illumina above.

Breakthrough Genomics
Classification: Benign. Review status: criteria provided, single submitter. Criteria: ACMG Guidelines, 2015. Collection method: not provided. Allele origin: germline. Inheritance: Unknown mechanism. Affected: yes.